The following is an entry in ClinVar:

ClinVar aggregate classification (germline): Pathogenic (1 of 4 stars; one submission).

Conditions:
Duchenne muscular dystrophy (DMD). Also called: Duchenne Muscular Dystrophy (DMD); MUSCULAR DYSTROPHY, PSEUDOHYPERTROPHIC PROGRESSIVE, DUCHENNE TYPE. Identifiers: Orphanet 98896, MedGen C0013264, MONDO:0010679, OMIM 310200.

Submission:

Labcorp Genetics (formerly Invitae), Labcorp
Classification: Pathogenic for Duchenne muscular dystrophy. Last evaluated: 2019-10-09. Review status: criteria provided, single submitter. Criteria: Invitae Variant Classification Sherloc (09022015). Collection method: clinical testing. Allele origin: germline.
Comment: Loss-of-function variants in DMD are known to be pathogenic (PMID: 16770791, 25007885). For these reasons, this variant has been classified as Pathogenic. This variant has not been reported in the literature in individuals with DMD-related conditions. This variant is an out-of-frame deletion of the genomic region encompassing exons 49-62 of the DMD gene. This is expected to create a premature translational stop signal and result in an absent or disrupted protein product.

Literature cited by the submitters: PubMed 16770791; PubMed 25007885.

NC_000023.11:g.(?_31323598)_(31836819_?)del

Gene: DMD (dystrophin; minus strand). Cytogenetic location: Xp21.2-21.1.
Variant type: Deletion.
Identifiers: ClinVar variation 831002 (VCV000831002.6).